The following is an entry in ClinVar:

NM_006267.5(RANBP2):c.5189G>A (p.Cys1730Tyr)

Gene: RANBP2 (RAN binding protein 2; plus strand). Cytogenetic location: 2q13.
Variant type: single nucleotide variant.
Coding change: c.5189G>A on transcript NM_006267.5 (MANE Select); coding-DNA position 5189, G replaced by A.
Protein change: p.Cys1730Tyr; replaces cysteine 1730 with tyrosine.
Molecular consequence: missense variant.
Genome position (GRCh38, 1-based): chr2:108,765,728, G>A. VCF-style: chr2-108765728-G-A. GRCh37 (hg19) VCF-style: chr2-109382184-G-A.
Other names: short protein forms C1730Y.
Identifiers: ClinVar variation 665179 (VCV000665179.18), dbSNP rs199711632, ClinGen allele CA1823234.

ClinVar aggregate classification (germline): Uncertain significance. Review status: criteria provided, multiple submitters, no conflicts (2 of 4 stars). 3 submissions from 3 submitters: Uncertain significance (3). Last evaluated 2025-05-01.

Conditions:
Familial acute necrotizing encephalopathy (IIAE3). Also called: Susceptibility to Acute Necrotizing Encephalopathy 1; ENCEPHALOPATHY, ACUTE, INFECTION-INDUCED, SUSCEPTIBILITY TO, 3. Identifiers: Orphanet 88619, MedGen C2675556, MONDO:0011953, OMIM 608033.

Allele frequency attached by ClinVar (database versions not stated): gnomAD exomes 0.00006 and 0.00011; ExAC 0.00009; gnomAD 0.00011; ESP Exome Variant Server 0.00015.
gnomAD v4.1: 182 of 1,613,966 alleles (0.011%); highest among the groups gnomAD compares: Non-Finnish European, 0.014%; 1 homozygote.

Submissions (3):

CeGaT Center for Human Genetics Tuebingen
Classification: Uncertain significance. Last evaluated: 2025-05-01. Review status: criteria provided, single submitter. Criteria: CeGaT Center For Human Genetics Tuebingen Variant Classification Criteria Version 2. Collection method: clinical testing. Allele origin: germline. Affected: yes. Observed: 1 variant allele.

Ambry Genetics
Classification: Uncertain significance. Last evaluated: 2024-07-09. Review status: criteria provided, single submitter. Criteria: Ambry Variant Classification Scheme 2023. Collection method: clinical testing. Allele origin: germline.

Labcorp Genetics (formerly Invitae), Labcorp
Classification: Uncertain significance for Familial acute necrotizing encephalopathy. Last evaluated: 2023-10-03. Review status: criteria provided, single submitter. Criteria: Invitae Variant Classification Sherloc (09022015). Collection method: clinical testing. Allele origin: germline.
Comment: This sequence change replaces cysteine, which is neutral and slightly polar, with tyrosine, which is neutral and polar, at codon 1730 of the RANBP2 protein (p.Cys1730Tyr). This variant is present in population databases (rs199711632, gnomAD 0.01%). This variant has not been reported in the literature in individuals affected with RANBP2-related conditions. ClinVar contains an entry for this variant (Variation ID: 665179). An algorithm developed to predict the effect of missense changes on protein structure and function (PolyPhen-2) suggests that this variant is likely to be disruptive. In summary, the available evidence is currently insufficient to determine the role of this variant in disease. Therefore, it has been classified as a Variant of Uncertain Significance.